The following is an entry in ClinVar:

NM_001024630.4(RUNX2):c.162GCA[5] (p.Gln71_Glu72insGln)

Genes: RUNX2 (RUNX family transcription factor 2; plus strand), LOC109611589 (runt related transcription factor 2 polyalanine expansion region; plus strand). Cytogenetic location: 6p21.1.
Variant type: Microsatellite.
Coding change: c.162GCA[5] on transcript NM_001024630.4 (MANE Select); five copies in a row of the 3-base unit GCA starting at c.162; the reference has four copies in a row; one copy, 3 bases duplicated.
Protein change: p.Gln71_Glu72insGln.
Molecular consequence: inframe insertion. On other transcripts: inframe indel (1).
Genome position (GRCh38, 1-based): chr6:45,422,705-45,422,707, GCA duplicated; duplicating any 3 consecutive bases within chr6:45,422,694-45,422,707 gives the same sequence; the position shown is the placement nearest the transcript's 3' end. VCF-style (leftmost placement, unchanged base first): chr6-45422693-A-ACAG. GRCh37 (hg19) VCF-style: chr6-45390430-A-ACAG.
Other names: c.162GCA[5], p.Gln71_Glu72insGln (NM_001015051.4); c.120GCA[5], p.Gln57_Glu58insGln (NM_001278478.2, NM_001369405.1); c.120_122GCA[5], p.Gln57_Glu58insGln (NM_004348.3).
Identifiers: ClinVar variation 2160044 (VCV002160044.4), dbSNP rs1554384177, ClinGen allele CA3836279.

ClinVar aggregate classification (germline): Uncertain significance (1 of 4 stars; one submission).

Submission:

Labcorp Genetics (formerly Invitae), Labcorp
Classification: Uncertain significance. Last evaluated: 2024-08-31. Review status: criteria provided, single submitter. Criteria: Invitae Variant Classification Sherloc (09022015). Collection method: clinical testing. Allele origin: germline.
Comment: This variant, c.171_173dup, results in the insertion of 1 amino acid(s) of the RUNX2 protein (p.Gln71dup), but otherwise preserves the integrity of the reading frame. The frequency data for this variant in the population databases is considered unreliable, as metrics indicate poor data quality at this position in the gnomAD database. This variant has not been reported in the literature in individuals affected with RUNX2-related conditions. In summary, the available evidence is currently insufficient to determine the role of this variant in disease. Therefore, it has been classified as a Variant of Uncertain Significance.